The following is an entry in ClinVar:

ClinVar aggregate classification (germline): Uncertain significance (1 of 4 stars; one submission).

Conditions:
Myofibrillar myopathy 5. Also called: Filaminopathy (type); FILAMINOPATHY, AUTOSOMAL DOMINANT. Identifiers: Orphanet 171445, MedGen C1836050, MONDO:0012289, OMIM 609524.
Distal myopathy with posterior leg and anterior hand involvement. Also called: WILLIAMS DISTAL MYOPATHY. Identifiers: Orphanet 63273, MedGen C3279722, MONDO:0013550, OMIM 614065.
Hypertrophic cardiomyopathy 26. Also called: Cardiomyopathy, familial hypertrophic, 26. Identifiers: Orphanet 75249, MedGen C4310749, MONDO:0014883, OMIM 617047.

Allele frequency attached by ClinVar (database versions not stated): gnomAD exomes below 0.00001.
gnomAD v4.1: 1 of 1,613,824 alleles (0.000062%); highest among the groups gnomAD compares: Non-Finnish European, 0.000085%; no homozygotes.

Submission:

Labcorp Genetics (formerly Invitae), Labcorp
Classification: Uncertain significance for Distal myopathy with posterior leg and anterior hand involvement; Myofibrillar myopathy 5; Hypertrophic cardiomyopathy 26. Last evaluated: 2023-09-12. Review status: criteria provided, single submitter. Criteria: Invitae Variant Classification Sherloc (09022015). Collection method: clinical testing. Allele origin: germline.
Comment: In summary, the available evidence is currently insufficient to determine the role of this variant in disease. Therefore, it has been classified as a Variant of Uncertain Significance. Advanced modeling of protein sequence and biophysical properties (such as structural, functional, and spatial information, amino acid conservation, physicochemical variation, residue mobility, and thermodynamic stability) has been performed at Invitae for this missense variant, however the output from this modeling did not meet the statistical confidence thresholds required to predict the impact of this variant on FLNC protein function. This variant has not been reported in the literature in individuals affected with FLNC-related conditions. This variant is not present in population databases (gnomAD no frequency). This sequence change replaces threonine, which is neutral and polar, with serine, which is neutral and polar, at codon 2139 of the FLNC protein (p.Thr2139Ser).

NM_001458.5(FLNC):c.6416C>G (p.Thr2139Ser)

Genes: FLNC (filamin C; plus strand), FLNC-AS1 (FLNC antisense RNA 1; minus strand). Cytogenetic location: 7q32.1.
Variant type: single nucleotide variant.
Coding change: c.6416C>G on transcript NM_001458.5 (MANE Select); coding-DNA position 6416, C replaced by G.
Protein change: p.Thr2139Ser; replaces threonine 2139 with serine.
Molecular consequence: missense variant.
Genome position (GRCh38, 1-based): chr7:128,853,769, C>G. VCF-style: chr7-128853769-C-G. GRCh37 (hg19) VCF-style: chr7-128493823-C-G.
Other names: c.6317C>G, p.Thr2106Ser (NM_001127487.2); short protein forms T2139S, T2106S.
Identifiers: ClinVar variation 2951887 (VCV002951887.3), dbSNP rs547881636, ClinGen allele CA369212502.